The following is an entry in ClinVar:

ClinVar aggregate classification (germline): Pathogenic (1 of 4 stars; one submission).

Submission:

Labcorp Genetics (formerly Invitae), Labcorp
Classification: Pathogenic. Last evaluated: 2023-10-15. Review status: criteria provided, single submitter. Criteria: Invitae Variant Classification Sherloc (09022015). Collection method: clinical testing. Allele origin: germline.
Comment: This sequence change creates a premature translational stop signal (p.Tyr1040*) in the PCDH15 gene. It is expected to result in an absent or disrupted protein product. Loss-of-function variants in PCDH15 are known to be pathogenic (PMID: 11398101, 11487575, 14570705). This variant is not present in population databases (gnomAD no frequency). This variant has not been reported in the literature in individuals affected with PCDH15-related conditions. For these reasons, this variant has been classified as Pathogenic.

Literature cited by the submitters: PubMed 11398101; PubMed 11487575; PubMed 14570705.

NM_001384140.1(PCDH15):c.3120T>G (p.Tyr1040Ter)

Gene: PCDH15 (protocadherin related 15; minus strand). Cytogenetic location: 10q21.1.
Variant type: single nucleotide variant.
Coding change: c.3120T>G on transcript NM_001384140.1 (MANE Select); coding-DNA position 3120, T replaced by G.
Protein change: p.Tyr1040Ter; replaces tyrosine 1040 with a stop codon.
Molecular consequence: nonsense.
Genome position (GRCh38, 1-based): chr10:53,959,734, A>C on the plus strand (T>G on the coding strand, the complement: PCDH15 is on the minus strand). VCF-style: chr10-53959734-A-C. GRCh37 (hg19) VCF-style: chr10-55719494-A-C.
Other names: c.3135T>G, p.Tyr1045Ter (NM_001142763.2, NM_001142771.2); c.3120T>G, p.Tyr1040Ter (NM_001142764.2, NM_001142766.2, NM_001142770.3 and 4 more transcripts); c.2907T>G, p.Tyr969Ter (NM_001142765.2); c.3009T>G, p.Tyr1003Ter (NM_001142767.2); c.3054T>G, p.Tyr1018Ter (NM_001142768.2, NM_001142773.2, NM_001354404.2); c.3156T>G, p.Tyr1052Ter (NM_001142769.4); c.3141T>G, p.Tyr1047Ter (NM_001354411.2); short protein forms Y1047*, Y969*, Y1052*, Y1040*, Y1045*, Y1003*, Y1018*.
Identifiers: ClinVar variation 2768703 (VCV002768703.3), dbSNP rs2088073420, ClinGen allele CA376520697.
Genomic context (GRCh38, chr10:53,959,734, plus strand): 5'-TCCTTTCAAAAATGCCCTAAACATTTCGTGTATTTCAAAATCGGACAGAAATCAATACCT[A>C]TATTCCTCCTGTGTGAAGCGTGGGATCTCACCAGGATGTAAGACAAGAATCTTCACTGTG-3'